The following is an entry in ClinVar:

ClinVar aggregate classification (germline): Likely benign. Review status: reviewed by expert panel (3 of 4 stars). 2 submissions from 2 submitters: Likely benign (1). 1 of the submissions does not count toward it. Last evaluated 2017-06-29.

Conditions:
Breast-ovarian cancer, familial, susceptibility to, 2 (BROVCA2). Also called: BRCA2 Hereditary Breast and Ovarian Cancer. Identifiers: Orphanet 145, MedGen C2675520, MONDO:0012933, OMIM 612555. Disease mechanism: loss of function.

Submissions (2):

Evidence-based Network for the Interpretation of Germline Mutant Alleles (ENIGMA)
Classification: Likely benign for Breast-ovarian cancer, familial, susceptibility to, 2. Last evaluated: 2017-06-29. Review status: reviewed by expert panel. Criteria: ENIGMA BRCA1/2 Classification Criteria (2017-06-29). Collection method: curation. Allele origin: germline.
Comment: Synonymous substitution variant, with low bioinformatic likelihood to result in a splicing aberration (Splicing prior probability 0.02).

Sharing Clinical Reports Project (SCRP)
Classification: Uncertain significance for Breast-ovarian cancer, familial 2. Last evaluated: 2008-08-05. Review status: no assertion criteria provided. Collection method: clinical testing. Allele origin: germline. Not counted in ClinVar's aggregate classification.

NM_000059.4(BRCA2):c.2424A>G (p.Glu808=)

Gene: BRCA2 (BRCA2 DNA repair associated; plus strand). Cytogenetic location: 13q13.1.
Variant type: single nucleotide variant.
Coding change: c.2424A>G on transcript NM_000059.4 (MANE Select); coding-DNA position 2424, A replaced by G.
Protein change: p.Glu808=; no amino-acid change (glutamic acid 808 retained).
Molecular consequence: synonymous variant.
Genome position (GRCh38, 1-based): chr13:32,336,779, A>G. VCF-style: chr13-32336779-A-G. GRCh37 (hg19) VCF-style: chr13-32910916-A-G.
Other names: 2652A>G.
Identifiers: ClinVar variation 91778 (VCV000091778.3), dbSNP rs55646808, ClinGen allele CA015214.